The following is an entry in ClinVar:

ClinVar aggregate classification (germline): Uncertain significance. Review status: criteria provided, single submitter (1 of 4 stars). 3 submissions from 3 submitters: Uncertain significance (1). 2 of the submissions do not count toward it. Last evaluated 2026-03-09.

Conditions:
TTC21B-related disorder. Also called: TTC21B-related condition; TTC21B-related disorders.
Jeune thoracic dystrophy. Also called: Short-rib thoracic dysplasia; Jeune syndrome; Infantile thoracic dystrophy; Thoracic pelvic phalangeal dystrophy; Jeune's syndrome; Chondroectodermal dysplasia-like syndrome. Identifiers: Orphanet 474, MedGen C0265275, MONDO:0018770.

Allele frequency attached by ClinVar (database versions not stated): gnomAD 0.00001; TOPMed 0.00001.
gnomAD v4.1: 1 of 1,613,280 alleles (0.000062%); highest among the groups gnomAD compares: African/African-American, 0.0013%; no homozygotes.

Submissions (3):

PreventionGenetics, part of Exact Sciences
Classification: Uncertain significance for TTC21B-related condition. Last evaluated: 2026-03-09. Review status: criteria provided, single submitter. Criteria: ACMG Guidelines, 2015. Collection method: clinical testing. Allele origin: germline.
Comment: The TTC21B c.1397C>A variant is predicted to result in the amino acid substitution p.Pro466His. This variant has been reported in an individual with a short-rib thoracic dysplasia phenotype (Figure 3, Zhang et al. 2018. PubMed ID: 29068549). This variant has not been reported in a large population database (gnomAD), indicating this variant is rare. At this time, the clinical significance of this variant is uncertain due to the absence of conclusive functional and genetic evidence.

Dan Cohn Lab, University Of California Los Angeles
Classification: Likely pathogenic for Asphyxiating thoracic dystrophy. Last evaluated: 2017-06-01. Review status: no assertion criteria provided. Collection method: research. Allele origin: unknown. Affected: yes. Not counted in ClinVar's aggregate classification.

University of Washington Center for Mendelian Genomics, University of Washington
Classification: Likely pathogenic for asphyxiating thoracic dystrophy. Review status: no assertion criteria provided. Collection method: research. Allele origin: inherited. Affected: yes. Not counted in ClinVar's aggregate classification.

Literature cited by the submitters: PubMed 29068549 (cited by Dan Cohn Lab, University Of California Los Angeles and University of Washington Center for Mendelian Genomics, University of Washington).

NM_024753.5(TTC21B):c.1397C>A (p.Pro466His)

Gene: TTC21B (tetratricopeptide repeat domain 21B; minus strand). Cytogenetic location: 2q24.3.
Variant type: single nucleotide variant.
Coding change: c.1397C>A on transcript NM_024753.5 (MANE Select); coding-DNA position 1397, C replaced by A.
Protein change: p.Pro466His; replaces proline 466 with histidine.
Molecular consequence: missense variant.
Genome position (GRCh38, 1-based): chr2:165,924,668, G>T on the plus strand (C>A on the coding strand, the complement: TTC21B is on the minus strand). VCF-style: chr2-165924668-G-T. GRCh37 (hg19) VCF-style: chr2-166781178-G-T.
Other names: short protein forms P466H.
Identifiers: ClinVar variation 446646 (VCV000446646.3), dbSNP rs1453462442, ClinGen allele CA349062475.